The following is an entry in ClinVar:

NM_001036.6(RYR3):c.7296T>G (p.Phe2432Leu)

Gene: RYR3 (ryanodine receptor 3; plus strand). Cytogenetic location: 15q14.
Variant type: single nucleotide variant.
Coding change: c.7296T>G on transcript NM_001036.6 (MANE Select); coding-DNA position 7296, T replaced by G.
Protein change: p.Phe2432Leu; replaces phenylalanine 2432 with leucine.
Molecular consequence: missense variant.
Genome position (GRCh38, 1-based): chr15:33,731,566, T>G. VCF-style: chr15-33731566-T-G. GRCh37 (hg19) VCF-style: chr15-34023767-T-G.
Other names: c.7296T>G, p.Phe2432Leu (NM_001243996.4); short protein forms F2432L.
Identifiers: ClinVar variation 531017 (VCV000531017.10), dbSNP rs1555430248, ClinGen allele CA391579257.

ClinVar aggregate classification (germline): Uncertain significance (1 of 4 stars; one submission).

Conditions:
Epileptic encephalopathy. Identifiers: MedGen C0543888, HP:0200134.

Allele frequency attached by ClinVar (database versions not stated): TOPMed 0.00002; gnomAD 0.00001.
gnomAD v4.1: 2 of 1,613,806 alleles (0.00012%); highest among the groups gnomAD compares: African/African-American, 0.0013%; no homozygotes.

Submission:

Labcorp Genetics (formerly Invitae), Labcorp
Classification: Uncertain significance for Epileptic encephalopathy. Last evaluated: 2019-06-11. Review status: criteria provided, single submitter. Criteria: Invitae Variant Classification Sherloc (09022015). Collection method: clinical testing. Allele origin: germline.
Comment: This sequence change replaces phenylalanine with leucine at codon 2432 of the RYR3 protein (p.Phe2432Leu). The phenylalanine residue is highly conserved and there is a small physicochemical difference between phenylalanine and leucine. This variant is not present in population databases (ExAC no frequency). This variant has not been reported in the literature in individuals with RYR3-related disease. Algorithms developed to predict the effect of missense changes on protein structure and function do not agree on the potential impact of this missense change (SIFT: "Deleterious"; PolyPhen-2: "Possibly Damaging"; Align-GVGD: "Class C15"). In summary, the available evidence is currently insufficient to determine the role of this variant in disease. Therefore, it has been classified as a Variant of Uncertain Significance.